The following is an entry in ClinVar:

NM_198576.4(AGRN):c.5738C>T (p.Thr1913Met)

Gene: AGRN (agrin; plus strand). Cytogenetic location: 1p36.33.
Variant type: single nucleotide variant.
Coding change: c.5738C>T on transcript NM_198576.4 (MANE Select); coding-DNA position 5738, C replaced by T.
Protein change: p.Thr1913Met; replaces threonine 1913 with methionine.
Molecular consequence: missense variant.
Genome position (GRCh38, 1-based): chr1:1,053,839, C>T. VCF-style: chr1-1053839-C-T. GRCh37 (hg19) VCF-style: chr1-989219-C-T.
Other names: c.5807C>T, p.Thr1936Met (NM_001305275.2); c.5435C>T, p.Thr1812Met (NM_001364727.2); short protein forms T1913M, T1936M, T1812M.
Identifiers: ClinVar variation 474158 (VCV000474158.7), dbSNP rs201604787, ClinGen allele CA510213.
Genomic context (GRCh38, chr1:1,053,839, plus strand): 5'-TTGAACTGAGCCTGCGCACTGAGGCCACGCAGGGGCTGGTGCTCTGGAGTGGCAAGGCCA[C>T]GGAGCGGGCAGACTATGTGGCACTGGCCATTGTGGACGGGCACCTGCAACTGAGCTACAA-3'
Protein context (NP_940978.2, residues 1903-1923): QGLVLWSGKA[Thr1913Met]ERADYVALAI

ClinVar aggregate classification (germline): Uncertain significance. Review status: criteria provided, multiple submitters, no conflicts (2 of 4 stars). 2 submissions from 2 submitters: Uncertain significance (2). Last evaluated 2022-07-25.

Conditions:
Inborn genetic diseases. Identifiers: MedGen C0950123, MeSH D030342.
Congenital myasthenic syndrome 8. Also called: MYASTHENIC SYNDROME, CONGENITAL, DUE TO AGRIN DEFICIENCY; Myasthenic syndrome, congenital, 8, with pre- and postsynaptic defects. Identifiers: Orphanet 590, MedGen C3808739, MONDO:0014052, OMIM 615120.

Allele frequency attached by ClinVar (database versions not stated): TOPMed 0.00017; ESP Exome Variant Server 0.00015; gnomAD 0.00012.
gnomAD v4.1: 63 of 1,610,432 alleles (0.0039%); highest among the groups gnomAD compares: African/African-American, 0.025%; no homozygotes.

Submissions (2):

Labcorp Genetics (formerly Invitae), Labcorp
Classification: Uncertain significance for Congenital myasthenic syndrome 8. Last evaluated: 2022-07-25. Review status: criteria provided, single submitter. Criteria: Invitae Variant Classification Sherloc (09022015). Collection method: clinical testing. Allele origin: germline.
Comment: This sequence change replaces threonine, which is neutral and polar, with methionine, which is neutral and non-polar, at codon 1913 of the AGRN protein (p.Thr1913Met). In summary, the available evidence is currently insufficient to determine the role of this variant in disease. Therefore, it has been classified as a Variant of Uncertain Significance. Algorithms developed to predict the effect of missense changes on protein structure and function are either unavailable or do not agree on the potential impact of this missense change (SIFT: "Tolerated"; PolyPhen-2: "Probably Damaging"; Align-GVGD: "Class C0"). ClinVar contains an entry for this variant (Variation ID: 474158). This variant has not been reported in the literature in individuals affected with AGRN-related conditions. The frequency data for this variant in the population databases is considered unreliable, as metrics indicate poor data quality at this position in the gnomAD database.

Ambry Genetics
Classification: Uncertain significance for Inborn genetic diseases. Last evaluated: 2021-07-14. Review status: criteria provided, single submitter. Criteria: Ambry Variant Classification Scheme 2023. Collection method: clinical testing. Allele origin: germline.